The following is an entry in ClinVar:

ClinVar aggregate classification (germline): Pathogenic/Likely pathogenic. Review status: criteria provided, multiple submitters, no conflicts (2 of 4 stars). 2 submissions from 2 submitters: Pathogenic (1); Likely pathogenic (1). Last evaluated 2025-12-09.

Conditions:
TMPRSS15-related disorder. Also called: TMPRSS15-related condition.

Allele frequency attached by ClinVar (database versions not stated): gnomAD exomes below 0.00001; TOPMed 0.00001.

Submissions (2):

PreventionGenetics, part of Exact Sciences
Classification: Likely pathogenic for TMPRSS15-related condition. Last evaluated: 2025-12-09. Review status: criteria provided, single submitter. Criteria: ACMG Guidelines, 2015. Collection method: clinical testing. Allele origin: germline.
Comment: The TMPRSS15 c.1320dupT variant is predicted to result in a frameshift and premature protein termination (p.Ile441Tyrfs*4). To our knowledge, this variant has not been reported in the literature in individuals affected with TMPRSS15-related conditions. This variant has not been reported in a large population database (gnomAD), indicating this variant is rare. Frameshift variants in TMPRSS15 are expected to be pathogenic. This variant is interpreted as likely pathogenic.

Labcorp Genetics (formerly Invitae), Labcorp
Classification: Pathogenic. Last evaluated: 2025-10-26. Review status: criteria provided, single submitter. Criteria: Invitae Variant Classification Sherloc (09022015). Collection method: clinical testing. Allele origin: germline.
Comment: This sequence change creates a premature translational stop signal (p.Ile441Tyrfs*4) in the TMPRSS15 gene. It is expected to result in an absent or disrupted protein product. Loss-of-function variants in TMPRSS15 are known to be pathogenic (PMID: 11719902). This variant is not present in population databases (gnomAD no frequency). This variant has not been reported in the literature in individuals affected with TMPRSS15-related conditions. ClinVar contains an entry for this variant (Variation ID: 2090917). Algorithms developed to predict the effect of sequence changes on RNA splicing suggest that this variant may disrupt the consensus splice site. For these reasons, this variant has been classified as Pathogenic.

Literature cited by the submitters: PubMed 11719902 (cited by Labcorp Genetics (formerly Invitae), Labcorp).

NM_002772.3(TMPRSS15):c.1320dup (p.Ile441fs)

Gene: TMPRSS15 (transmembrane serine protease 15; minus strand). Cytogenetic location: 21q21.1.
Variant type: Duplication.
Coding change: c.1320dup on transcript NM_002772.3 (MANE Select); coding-DNA position 1320, one base duplicated (T; older notation c.1320dupT).
Protein change: p.Ile441fs; shifts the reading frame from isoleucine 441.
Molecular consequence: frameshift variant.
Genome position (GRCh38, 1-based): chr21:18,343,614, A duplicated on the plus strand (T on the coding strand, the reverse complement: TMPRSS15 is on the minus strand). VCF-style (leftmost placement, unchanged base first): chr21-18343613-T-TA. GRCh37 (hg19) VCF-style: chr21-19715930-T-TA.
Other names: c.1320dupT (NM_002772.2); short protein forms I441fs.
Identifiers: ClinVar variation 2090917 (VCV002090917.5), dbSNP rs2075473390, ClinGen allele CA2379766310.